The following is an entry in ClinVar:

ClinVar aggregate classification (germline): Uncertain significance (1 of 4 stars; one submission).

Allele frequency attached by ClinVar (database versions not stated): gnomAD exomes below 0.00001; ExAC 0.00001.
gnomAD v4.1: 2 of 1,614,136 alleles (0.00012%); highest among the groups gnomAD compares: Admixed American, 0.0033%; no homozygotes.

Submission:

Ambry Genetics
Classification: Uncertain significance. Last evaluated: 2024-11-01. Review status: criteria provided, single submitter. Criteria: Ambry Variant Classification Scheme 2023. Collection method: clinical testing. Allele origin: germline.
Comment: The p.A581T variant (also known as c.1741G>A), located in coding exon 11 of the POLQ gene, results from a G to A substitution at nucleotide position 1741. The alanine at codon 581 is replaced by threonine, an amino acid with similar properties. This amino acid position is conserved. In addition, this alteration is predicted to be tolerated by in silico analysis. Since supporting evidence is limited at this time, the clinical significance of this alteration remains unclear.

NM_199420.4(POLQ):c.1741G>A (p.Ala581Thr)

Gene: POLQ (DNA polymerase theta; minus strand). Cytogenetic location: 3q13.33.
Variant type: single nucleotide variant.
Coding change: c.1741G>A on transcript NM_199420.4 (MANE Select); coding-DNA position 1741, G replaced by A.
Protein change: p.Ala581Thr; replaces alanine 581 with threonine.
Molecular consequence: missense variant.
Genome position (GRCh38, 1-based): chr3:121,510,114, C>T on the plus strand (G>A on the coding strand, the complement: POLQ is on the minus strand). VCF-style: chr3-121510114-C-T. GRCh37 (hg19) VCF-style: chr3-121228961-C-T.
Other names: short protein forms A581T.
Identifiers: ClinVar variation 1779204 (VCV001779204.3), dbSNP rs774092317, ClinGen allele CA2563463.